The following is an entry in ClinVar:

ClinVar aggregate classification (germline): Conflicting classifications of pathogenicity. Review status: criteria provided, conflicting classifications (1 of 4 stars). 3 submissions from 3 submitters: Uncertain significance (2); Likely benign (1). Last evaluated 2025-09-25.

Conditions:
PIEZO1-related disorder. Also called: PIEZO1-related condition; PIEZO1-Related Disorders.

Allele frequency attached by ClinVar (database versions not stated): gnomAD exomes 0.00003 and 0.00007; TOPMed 0.00006; gnomAD 0.00007; 1000 Genomes Project 30x 0.00016; 1000 Genomes Project 0.00020.
gnomAD v4.1: 53 of 1,533,424 alleles (0.0035%); highest among the groups gnomAD compares: Admixed American, 0.018%; no homozygotes.

Submissions (3):

PreventionGenetics, part of Exact Sciences
Classification: Uncertain significance for PIEZO1-related condition. Last evaluated: 2025-09-25. Review status: criteria provided, single submitter. Criteria: ACMG Guidelines, 2015. Collection method: clinical testing. Allele origin: germline.
Comment: The PIEZO1 c.988C>T variant is predicted to result in the amino acid substitution p.Arg330Cys. To our knowledge, this variant has not been reported in the literature. This variant is reported in 0.031% of alleles in individuals of African descent in gnomAD. At this time, the clinical significance of this variant is uncertain due to the absence of conclusive functional and genetic evidence.

ARUP Laboratories, Molecular Genetics and Genomics, ARUP Laboratories
Classification: Likely benign. Last evaluated: 2021-05-04. Review status: criteria provided, single submitter. Criteria: ARUP Molecular Germline Variant Investigation Process 2021. Collection method: clinical testing. Allele origin: germline.

Revvity Omics, Revvity
Classification: Uncertain significance. Last evaluated: 2021-04-30. Review status: criteria provided, single submitter. Criteria: ACMG Guidelines, 2015. Collection method: clinical testing. Allele origin: germline.

NM_001142864.4(PIEZO1):c.988C>T (p.Arg330Cys)

Genes: HSALR1 (HSP90AB1 associated lncRNA 1; plus strand), PIEZO1 (piezo type mechanosensitive ion channel component 1 (Er blood group); minus strand). Cytogenetic location: 16q24.3.
Variant type: single nucleotide variant.
Coding change: c.988C>T on transcript NM_001142864.4 (MANE Select); coding-DNA position 988, C replaced by T.
Protein change: p.Arg330Cys; replaces arginine 330 with cysteine.
Molecular consequence: missense variant. On other transcripts: non-coding transcript variant (1).
Genome position (GRCh38, 1-based): chr16:88,737,966, G>A on the plus strand (C>T on the coding strand, the complement: PIEZO1 is on the minus strand). VCF-style: chr16-88737966-G-A. GRCh37 (hg19) VCF-style: chr16-88804374-G-A.
Other names: c.988C>T (NM_001142864.3); short protein forms R330C.
Identifiers: ClinVar variation 1330443 (VCV001330443.10), dbSNP rs546108970, ClinGen allele CA286435945.